The following is an entry in ClinVar:

NM_000443.4(ABCB4):c.2619T>G (p.Val873=)

Gene: ABCB4 (ATP binding cassette subfamily B member 4; minus strand). Cytogenetic location: 7q21.12.
Variant type: single nucleotide variant.
Coding change: c.2619T>G on transcript NM_000443.4 (MANE Select); coding-DNA position 2619, T replaced by G.
Protein change: p.Val873=; no amino-acid change (valine 873 retained).
Molecular consequence: synonymous variant.
Genome position (GRCh38, 1-based): chr7:87,417,375, A>C on the plus strand (T>G on the coding strand, the complement: ABCB4 is on the minus strand). VCF-style: chr7-87417375-A-C. GRCh37 (hg19) VCF-style: chr7-87046691-A-C.
Other names: c.2619T>G, p.Val873= (NM_018849.3, NM_018850.3).
Identifiers: ClinVar variation 384853 (VCV000384853.4), dbSNP rs775357102, ClinGen allele CA4326974.

ClinVar aggregate classification (germline): Likely benign. Review status: criteria provided, multiple submitters, no conflicts (2 of 4 stars). 2 submissions from 2 submitters: Likely benign (2). Last evaluated 2025-12-23.

Allele frequency attached by ClinVar (database versions not stated): ExAC 0.00001; gnomAD 0.00001; gnomAD exomes 0.00001.
gnomAD v4.1: 5 of 1,614,020 alleles (0.00031%); highest among the groups gnomAD compares: Non-Finnish European, 0.00042%; no homozygotes.

Submissions (2):

Labcorp Genetics (formerly Invitae), Labcorp
Classification: Likely benign. Last evaluated: 2025-12-23. Review status: criteria provided, single submitter. Criteria: Invitae Variant Classification Sherloc (09022015). Collection method: clinical testing. Allele origin: germline.

GeneDx
Classification: Likely benign. Last evaluated: 2016-03-31. Review status: criteria provided, single submitter. Criteria: GeneDx Variant Classification (06012015). Collection method: clinical testing. Allele origin: germline. Affected: yes.
Comment: This variant is considered likely benign or benign based on one or more of the following criteria: it is a conservative change, it occurs at a poorly conserved position in the protein, it is predicted to be benign by multiple in silico algorithms, and/or has population frequency not consistent with disease.